The following is an entry in ClinVar:

ClinVar aggregate classification (germline): Uncertain significance (1 of 4 stars; one submission).

Submission:

GeneDx
Classification: Uncertain significance. Last evaluated: 2023-11-20. Review status: criteria provided, single submitter. Criteria: GeneDx Variant Classification Process June 2021. Collection method: clinical testing. Allele origin: germline. Affected: yes.
Comment: Not observed at significant frequency in large population cohorts (gnomAD); In silico analysis supports that this missense variant does not alter protein structure/function; Has not been previously published as pathogenic or benign to our knowledge

NM_198880.3(QRICH1):c.695G>C (p.Gly232Ala)

Gene: QRICH1 (glutamine rich 1; minus strand). Cytogenetic location: 3p21.31.
Variant type: single nucleotide variant.
Coding change: c.695G>C on transcript NM_198880.3 (MANE Select); coding-DNA position 695, G replaced by C.
Protein change: p.Gly232Ala; replaces glycine 232 with alanine.
Molecular consequence: missense variant.
Genome position (GRCh38, 1-based): chr3:49,057,505, C>G on the plus strand (G>C on the coding strand, the complement: QRICH1 is on the minus strand). VCF-style: chr3-49057505-C-G. GRCh37 (hg19) VCF-style: chr3-49094938-C-G.
Other names: c.695G>C, p.Gly232Ala (NM_001320580.2, NM_001320581.2, NM_001320582.2 and 4 more transcripts); short protein forms G232A.
Identifiers: ClinVar variation 3364576 (VCV003364576.1).